The following is an entry in ClinVar:

NM_000355.4(TCN2):c.836del (p.Gln279fs)

Gene: TCN2 (transcobalamin 2; plus strand). Cytogenetic location: 22q12.2.
Variant type: Deletion.
Coding change: c.836del on transcript NM_000355.4 (MANE Select); coding-DNA position 836, one base deleted (A; older notation c.836delA).
Protein change: p.Gln279fs; shifts the reading frame from glutamine 279.
Molecular consequence: frameshift variant.
Genome position (GRCh38, 1-based): chr22:30,615,683, A deleted. VCF-style (leftmost placement, unchanged base first): chr22-30615682-CA-C. GRCh37 (hg19) VCF-style: chr22-31011669-CA-C.
Other names: c.755del, p.Gln252fs (NM_001184726.2); short protein forms Q252fs, Q279fs.
Identifiers: ClinVar variation 4713049 (VCV004713049.1).

ClinVar aggregate classification (germline): Pathogenic (1 of 4 stars; one submission).

Conditions:
Transcobalamin II deficiency (TCN2D). Also called: TC II DEFICIENCY; TCN2 DEFICIENCY; Transcolabamin II deficiency. Identifiers: Orphanet 859, MedGen C0342701, MONDO:0010149, OMIM 275350.

Submission:

Labcorp Genetics (formerly Invitae), Labcorp
Classification: Pathogenic for Transcobalamin II deficiency. Last evaluated: 2025-10-08. Review status: criteria provided, single submitter. Criteria: Invitae Variant Classification Sherloc (09022015). Collection method: clinical testing. Allele origin: germline.
Comment: This sequence change creates a premature translational stop signal (p.Gln279Argfs*10) in the TCN2 gene. It is expected to result in an absent or disrupted protein product. Loss-of-function variants in TCN2 are known to be pathogenic (PMID: 7980584, 20352340). This variant is not present in population databases (gnomAD no frequency). This variant has not been reported in the literature in individuals affected with TCN2-related conditions. For these reasons, this variant has been classified as Pathogenic.

Literature cited by the submitters: PubMed 7980584; PubMed 20352340.